The following is an entry in ClinVar:

ClinVar aggregate classification (germline): Conflicting classifications of pathogenicity. Review status: criteria provided, conflicting classifications (1 of 4 stars). 5 submissions from 5 submitters: Uncertain significance (2); Likely benign (2). 1 of the submissions does not count toward it. Last evaluated 2025-12-08.

Conditions:
Hereditary cancer-predisposing syndrome. Also called: Tumor predisposition; Neoplastic Syndromes, Hereditary; Hereditary neoplastic syndrome; Hereditary Cancer Syndrome. Identifiers: Orphanet 140162, MedGen C0027672, MeSH D009386, MONDO:0015356.
Hereditary breast ovarian cancer syndrome. Also called: Hereditary breast and ovarian cancer; Hereditary breast and ovarian cancer syndrome (HBOC); Hereditary breast and/or ovarian cancer syndrome; Breast and ovarian cancer; Hereditary breast and ovarian cancer syndrome; BRCA1- and BRCA2-Associated Hereditary Breast and Ovarian Cancer. Identifiers: Orphanet 145, MedGen C0677776, MeSH D061325, MONDO:0003582. Disease mechanism: loss of function.
Breast-ovarian cancer, familial, susceptibility to, 2 (BROVCA2). Also called: BRCA2 Hereditary Breast and Ovarian Cancer. Identifiers: Orphanet 145, MedGen C2675520, MONDO:0012933, OMIM 612555. Disease mechanism: loss of function.

Allele frequency attached by ClinVar (database versions not stated): gnomAD exomes below 0.00001 and 0.00001; ExAC 0.00001.
gnomAD v4.1: 3 of 1,614,110 alleles (0.00019%); highest among the groups gnomAD compares: African/African-American, 0.0027%; no homozygotes.

Submissions (5):

Labcorp Genetics (formerly Invitae), Labcorp
Classification: Uncertain significance for Hereditary breast ovarian cancer syndrome. Last evaluated: 2025-12-08. Review status: criteria provided, single submitter. Criteria: Invitae Variant Classification Sherloc (09022015). Collection method: clinical testing. Allele origin: germline.
Comment: This sequence change replaces isoleucine, which is neutral and non-polar, with threonine, which is neutral and polar, at codon 3107 of the BRCA2 protein (p.Ile3107Thr). This variant is present in population databases (rs397507425, gnomAD 0.007%). This variant has not been reported in the literature in individuals affected with BRCA2-related conditions. ClinVar contains an entry for this variant (Variation ID: 38231). Invitae Evidence Modeling incorporating data from in vitro experimental studies (PMID: 33609447) indicates that this missense variant is not expected to disrupt BRCA2 function with a negative predictive value of 95%. In summary, the available evidence is currently insufficient to determine the role of this variant in disease. Therefore, it has been classified as a Variant of Uncertain Significance.

Women's Health and Genetics/Laboratory Corporation of America, LabCorp
Classification: Likely benign. Last evaluated: 2024-12-03. Review status: criteria provided, single submitter. Criteria: LabCorp Variant Classification Summary - May 2015. Collection method: clinical testing. Allele origin: germline.
Comment: Variant summary: BRCA2 c.9320T>C (p.Ile3107Thr) results in a non-conservative amino acid change located in the BRCA2, oligonucleotide/oligosaccharide-binding, domain 3 of the encoded protein sequence. Four of five in-silico tools predict a benign effect of the variant on protein function. The variant allele was found at a frequency of 4e-06 in 251200 control chromosomes. The available data on variant occurrences in the general population are insufficient to allow any conclusion about variant significance. To our knowledge, no occurrence of c.9320T>C in individuals affected with Hereditary Breast And Ovarian Cancer Syndrome has been reported. Using HDR assay at least one publication reports experimental evidence uthat the variant does not have a damaging effect on on protein function (Richardson_2021). HDR assays qualify as a recognized gold standard on the basis of updated guidance provided by the ClinGen Sequence Variant Interpretation (SVI) working group. This working group has recommended strong functional evidence (ACMG BS3) as sufficient weightage for categorization as likely benign (Tavtigian_2018). The following publication has been ascertained in the context of this evaluation (PMID: 33609447). ClinVar contains an entry for this variant (Variation ID: 38231). Based on the evidence outlined above, the variant was classified as likely benign.

Color Diagnostics, LLC DBA Color Health
Classification: Uncertain significance for Hereditary cancer-predisposing syndrome. Last evaluated: 2022-04-05. Review status: criteria provided, single submitter. Criteria: ACMG Guidelines, 2015. Collection method: clinical testing. Allele origin: germline.
Comment: This missense variant replaces isoleucine with threonine at codon 3107 of the BRCA2 protein. Computational prediction suggests that this variant may not impact protein structure and function (internally defined REVEL score threshold <= 0.5, PMID: 27666373). Functional studies have shown that this variant retains homology-directed DNA repair function (PMID: 29884841). To our knowledge, this variant has not been reported in individuals affected with hereditary cancer in the literature. This variant has been identified in 1/251200 chromosomes in the general population by the Genome Aggregation Database (gnomAD). The available evidence is insufficient to determine the role of this variant in disease conclusively. Therefore, this variant is classified as a Variant of Uncertain Significance.

Ambry Genetics
Classification: Likely benign for Hereditary cancer-predisposing syndrome. Last evaluated: 2019-12-06. Review status: criteria provided, single submitter. Criteria: Ambry Variant Classification Scheme 2023. Collection method: clinical testing. Allele origin: germline.

Sharing Clinical Reports Project (SCRP)
Classification: Uncertain significance for Breast-ovarian cancer, familial 2. Last evaluated: 2011-06-16. Review status: no assertion criteria provided. Collection method: clinical testing. Allele origin: germline. Not counted in ClinVar's aggregate classification.

Literature cited by the submitters: PubMed 33609447 (cited by Labcorp Genetics (formerly Invitae), Labcorp and Women's Health and Genetics/Laboratory Corporation of America, LabCorp); PubMed 29884841 (cited by Color Diagnostics, LLC DBA Color Health and Ambry Genetics).

NM_000059.4(BRCA2):c.9320T>C (p.Ile3107Thr)

Gene: BRCA2 (BRCA2 DNA repair associated; plus strand). Cytogenetic location: 13q13.1.
Variant type: single nucleotide variant.
Coding change: c.9320T>C on transcript NM_000059.4 (MANE Select); coding-DNA position 9320, T replaced by C.
Protein change: p.Ile3107Thr; replaces isoleucine 3107 with threonine.
Molecular consequence: missense variant.
Genome position (GRCh38, 1-based): chr13:32,394,752, T>C. VCF-style: chr13-32394752-T-C. GRCh37 (hg19) VCF-style: chr13-32968889-T-C.
Other names: 9548T>C; short protein forms I3107T.
Identifiers: ClinVar variation 38231 (VCV000038231.19), dbSNP rs397507425, ClinGen allele CA026104.